The following is an entry in ClinVar:

NM_000059.4(BRCA2):c.1910G>T (p.Gly637Val)

Gene: BRCA2 (BRCA2 DNA repair associated; plus strand). Cytogenetic location: 13q13.1.
Variant type: single nucleotide variant.
Coding change: c.1910G>T on transcript NM_000059.4 (MANE Select); coding-DNA position 1910, G replaced by T.
Protein change: p.Gly637Val; replaces glycine 637 with valine.
Molecular consequence: missense variant.
Genome position (GRCh38, 1-based): chr13:32,336,265, G>T. VCF-style: chr13-32336265-G-T. GRCh37 (hg19) VCF-style: chr13-32910402-G-T.
Other names: short protein forms G637V.
Identifiers: ClinVar variation 233416 (VCV000233416.6), dbSNP rs876660392, ClinGen allele CA10579516.

ClinVar aggregate classification (germline): Uncertain significance (1 of 4 stars; one submission).

Conditions:
Hereditary cancer-predisposing syndrome. Also called: Tumor predisposition; Hereditary neoplastic syndrome; Hereditary Cancer Syndrome; Neoplastic Syndromes, Hereditary. Identifiers: Orphanet 140162, MedGen C0027672, MeSH D009386, MONDO:0015356.

Submission:

Ambry Genetics
Classification: Uncertain significance for Hereditary cancer-predisposing syndrome. Last evaluated: 2026-02-18. Review status: criteria provided, single submitter. Criteria: Ambry Variant Classification Scheme 2023. Collection method: clinical testing. Allele origin: germline.
Comment: The p.G637V variant (also known as c.1910G>T) is located in coding exon 10 of the BRCA2 gene. The glycine at codon 637 is replaced by valine, an amino acid with dissimilar properties. This change occurs in the first base pair of coding exon 10. This amino acid position is not well conserved in available vertebrate species. In addition, this alteration is predicted to be tolerated by in silico analysis. Based on the available evidence, the clinical significance of this variant remains unclear.